The following is an entry in ClinVar:

ClinVar aggregate classification (germline): Uncertain significance. Review status: criteria provided, multiple submitters, no conflicts (2 of 4 stars). 2 submissions from 2 submitters: Uncertain significance (2). Last evaluated 2026-08-23.

Conditions:
Hereditary cancer-predisposing syndrome. Also called: Neoplastic Syndromes, Hereditary; Hereditary Cancer Syndrome; Hereditary neoplastic syndrome; Tumor predisposition. Identifiers: Orphanet 140162, MedGen C0027672, MeSH D009386, MONDO:0015356.

Submissions (2):

Ambry Genetics
Classification: Uncertain significance for Hereditary cancer-predisposing syndrome. Last evaluated: 2026-08-23. Review status: criteria provided, single submitter. Criteria: Ambry Variant Classification Scheme 2023. Collection method: clinical testing. Allele origin: germline.
Comment: The p.N1981T variant (also known as c.5942A>C), located in coding exon 15 of the APC gene, results from an A to C substitution at nucleotide position 5942. The asparagine at codon 1981 is replaced by threonine, an amino acid with similar properties. This amino acid position is conserved. In addition, in silico predictors for this gene do not accurately predict pathogenicity. Based on the available evidence, the clinical significance of this variant remains unclear.

Color Diagnostics, LLC DBA Color Health
Classification: Uncertain significance for Hereditary cancer-predisposing syndrome. Last evaluated: 2024-03-06. Review status: criteria provided, single submitter. Criteria: ACMG Guidelines, 2015. Collection method: clinical testing. Allele origin: germline.
Comment: This missense variant replaces asparagine with threonine at codon 1981 of the APC protein. Computational prediction suggests that this variant may not impact protein structure and function (internally defined REVEL score threshold <= 0.5, PMID: 27666373). Splice site prediction tools suggest that this variant may not impact RNA splicing. To our knowledge, functional studies have not been performed for this variant. This variant has not been reported in individuals affected with hereditary cancer in the literature. This variant has not been identified in the general population by the Genome Aggregation Database (gnomAD). The available evidence is insufficient to determine the role of this variant in disease conclusively. Therefore, this variant is classified as a Variant of Uncertain Significance.

NM_000038.6(APC):c.5942A>C (p.Asn1981Thr)

Gene: APC (APC regulator of Wnt signaling pathway; plus strand). Cytogenetic location: 5q22.2.
Variant type: single nucleotide variant.
Coding change: c.5942A>C on transcript NM_000038.6 (MANE Select); coding-DNA position 5942, A replaced by C.
Protein change: p.Asn1981Thr; replaces asparagine 1981 with threonine.
Molecular consequence: missense variant.
Genome position (GRCh38, 1-based): chr5:112,841,536, A>C. VCF-style: chr5-112841536-A-C. GRCh37 (hg19) VCF-style: chr5-112177233-A-C.
Other names: c.5972A>C, p.Asn1991Thr (NM_001354897.2); c.5867A>C, p.Asn1956Thr (NM_001354898.2); c.5858A>C, p.Asn1953Thr (NM_001354899.2); c.5819A>C, p.Asn1940Thr (NM_001354900.2); c.5765A>C, p.Asn1922Thr (NM_001354901.2); c.5669A>C, p.Asn1890Thr (NM_001354902.2); c.5639A>C, p.Asn1880Thr (NM_001354903.2); c.5564A>C, p.Asn1855Thr (NM_001354904.2); and 5 more; short protein forms N1963T, N1981T, N1890T, N1922T, N1991T, N1698T, N1880T, N1956T.
Identifiers: ClinVar variation 630442 (VCV000630442.6), dbSNP rs1233897262, ClinGen allele CA16034335.